The following is an entry in ClinVar:

NM_000368.5(TSC1):c.2503-16C>T

Gene: TSC1 (TSC complex subunit 1; minus strand). Cytogenetic location: 9q34.13.
Variant type: single nucleotide variant.
Coding change: c.2503-16C>T on transcript NM_000368.5 (MANE Select); 16 bases into the intron before coding-DNA position 2503, C replaced by T.
Molecular consequence: intron variant.
Genome position (GRCh38, 1-based): chr9:132,900,853, G>A on the plus strand (C>T on the coding strand, the complement: TSC1 is on the minus strand). VCF-style: chr9-132900853-G-A. GRCh37 (hg19) VCF-style: chr9-135776240-G-A.
Other names: c.2140-16C>T (NM_001362177.2); c.2350-16C>T (NM_001162427.2); c.2500-16C>T (NM_001162426.2).
Identifiers: ClinVar variation 2191879 (VCV002191879.5), dbSNP rs763538307, ClinGen allele CA2579494104.

ClinVar aggregate classification (germline): Likely benign. Review status: criteria provided, multiple submitters, no conflicts (2 of 4 stars). 2 submissions from 2 submitters: Likely benign (2). Last evaluated 2025-04-25.

Conditions:
Tuberous sclerosis 1 (TSC1). Identifiers: Orphanet 805, MedGen C1854465, MONDO:0008612, OMIM 191100.

gnomAD v4.1: 1 of 1,613,862 alleles (0.000062%); highest among the groups gnomAD compares: South Asian, 0.0011%; no homozygotes.

Submissions (2):

Myriad Genetics, Inc.
Classification: Likely benign for Tuberous sclerosis 1. Last evaluated: 2025-04-25. Review status: criteria provided, single submitter. Criteria: Myriad Autosomal Dominant, Autosomal Recessive and X-Linked Classification Criteria (2023). Collection method: clinical testing. Allele origin: unknown.
Comment: This variant is considered likely benign. This variant is intronic and is not expected to impact mRNA splicing.

Labcorp Genetics (formerly Invitae), Labcorp
Classification: Likely benign for Tuberous sclerosis 1. Last evaluated: 2025-01-31. Review status: criteria provided, single submitter. Criteria: Invitae Variant Classification Sherloc (09022015). Collection method: clinical testing. Allele origin: germline.